The following is an entry in ClinVar:

ClinVar aggregate classification (germline): Uncertain significance (1 of 4 stars; one submission).

Submission:

Ambry Genetics
Classification: Uncertain significance. Last evaluated: 2022-11-10. Review status: criteria provided, single submitter. Criteria: Ambry Variant Classification Scheme 2023. Collection method: clinical testing. Allele origin: germline.
Comment: The p.A524G variant (also known as c.1571C>G), located in coding exon 12 of the RECQL gene, results from a C to G substitution at nucleotide position 1571. The alanine at codon 524 is replaced by glycine, an amino acid with similar properties. This amino acid position is conserved. In addition, this alteration is predicted to be tolerated by in silico analysis. Since supporting evidence is limited at this time, the clinical significance of this alteration remains unclear.

NM_002907.4(RECQL):c.1571C>G (p.Ala524Gly)

Gene: RECQL (RecQ like helicase; minus strand). Cytogenetic location: 12p12.1.
Variant type: single nucleotide variant.
Coding change: c.1571C>G on transcript NM_002907.4 (MANE Select); coding-DNA position 1571, C replaced by G.
Protein change: p.Ala524Gly; replaces alanine 524 with glycine.
Molecular consequence: missense variant.
Genome position (GRCh38, 1-based): chr12:21,471,524, G>C on the plus strand (C>G on the coding strand, the complement: RECQL is on the minus strand). VCF-style: chr12-21471524-G-C. GRCh37 (hg19) VCF-style: chr12-21624458-G-C.
Other names: c.1571C>G, p.Ala524Gly (NM_032941.3); short protein forms A524G.
Identifiers: ClinVar variation 2450951 (VCV002450951.2), dbSNP rs2137316464, ClinGen allele CA384116122.